The following is an entry in ClinVar:

NM_004364.5(CEBPA):c.890G>C (p.Arg297Pro)

Gene: CEBPA (CCAAT enhancer binding protein alpha; minus strand). Cytogenetic location: 19q13.11.
Variant type: single nucleotide variant.
Coding change: c.890G>C on transcript NM_004364.5 (MANE Select); coding-DNA position 890, G replaced by C.
Protein change: p.Arg297Pro; replaces arginine 297 with proline.
Molecular consequence: missense variant.
Genome position (GRCh38, 1-based): chr19:33,301,525, C>G on the plus strand (G>C on the coding strand, the complement: CEBPA is on the minus strand). VCF-style: chr19-33301525-C-G. GRCh37 (hg19) VCF-style: chr19-33792431-C-G.
Other names: c.533G>C, p.Arg178Pro (NM_001285829.2); c.995G>C, p.Arg332Pro (NM_001287424.2); c.848G>C, p.Arg283Pro (NM_001287435.2); short protein forms R178P, R283P, R297P, R332P.
Identifiers: ClinVar variation 1016681 (VCV001016681.9), dbSNP rs1600021258, ClinGen allele CA405273992.
Genomic context (GRCh38, chr19:33,301,525, plus strand): 5'-AGCTCCAGCACCTTCTGCTGCGTCTCCACGTTGCGCTGCTTGGCCTTGTCGCGGCTCTTG[C>G]GCACCGCGATGTTGTTGCGCTCGCGCCGCACCCGGTACTCGTTGCTGTTCTTGTCCACCG-3'
Protein context (NP_004355.2, residues 287-307): VRRERNNIAV[Arg297Pro]KSRDKAKQRN

ClinVar aggregate classification (germline): Likely pathogenic (1 of 4 stars; one submission).

Conditions:
Acute myeloid leukemia (AML). Also called: Acute myeloid leukemia, adult; AML adult; Acute non-lymphocytic leukemia; Acute granulocytic leukemia; Leukemia, acute myelogenous, somatic; Leukemia, acute myeloid, somatic. Identifiers: Orphanet 519, MedGen C0023467, MeSH D015470, MONDO:0018874, OMIM 601626, HP:0004808. Disease mechanism: Constitutively activated FLT3.

Submission:

Labcorp Genetics (formerly Invitae), Labcorp
Classification: Likely pathogenic for Acute myeloid leukemia. Last evaluated: 2022-08-09. Review status: criteria provided, single submitter. Criteria: Invitae Variant Classification Sherloc (09022015). Collection method: clinical testing. Allele origin: germline.
Comment: In summary, the currently available evidence indicates that the variant is pathogenic, but additional data are needed to prove that conclusively. Therefore, this variant has been classified as Likely Pathogenic. Algorithms developed to predict the effect of missense changes on protein structure and function are either unavailable or do not agree on the potential impact of this missense change (SIFT: "Deleterious"; PolyPhen-2: "Probably Damaging"; Align-GVGD: "Class C0"). ClinVar contains an entry for this variant (Variation ID: 1016681). This missense change has been observed in individual(s) with acute myeloid leukemia (Invitae). In at least one individual the variant was observed to be de novo. This variant is not present in population databases (gnomAD no frequency). This sequence change replaces arginine, which is basic and polar, with proline, which is neutral and non-polar, at codon 297 of the CEBPA protein (p.Arg297Pro).